The following is an entry in ClinVar:

NM_153240.5(NPHP3):c.428A>G (p.Glu143Gly)

Genes: NPHP3 (nephrocystin 3; minus strand), NPHP3-ACAD11 (NPHP3-ACAD11 readthrough (NMD candidate); minus strand). Cytogenetic location: 3q22.1.
Variant type: single nucleotide variant.
Coding change: c.428A>G on transcript NM_153240.5 (MANE Select); coding-DNA position 428, A replaced by G.
Protein change: p.Glu143Gly; replaces glutamic acid 143 with glycine.
Molecular consequence: missense variant. On other transcripts: non-coding transcript variant (1).
Genome position (GRCh38, 1-based): chr3:132,719,796, T>C on the plus strand (A>G on the coding strand, the complement: NPHP3 is on the minus strand). VCF-style: chr3-132719796-T-C. GRCh37 (hg19) VCF-style: chr3-132438640-T-C.
Other names: c.428A>G (NM_153240.4); short protein forms E143G.
Identifiers: ClinVar variation 1521020 (VCV001521020.7), dbSNP rs1576688460, ClinGen allele CA354588036.

ClinVar aggregate classification (germline): Uncertain significance. Review status: criteria provided, multiple submitters, no conflicts (2 of 4 stars). 2 submissions from 2 submitters: Uncertain significance (2). Last evaluated 2024-12-31.

Conditions:
Nephronophthisis. Also called: Juvenile Nephronophthisis. Identifiers: Orphanet 655, MedGen C0687120, MONDO:0019005, HP:0000090.
NPHP3-related disorder. Also called: NPHP3-related condition; NPHP3-related disorders. Identifiers: MedGen CN379163.

Submissions (2):

PreventionGenetics, part of Exact Sciences
Classification: Uncertain significance for NPHP3-related condition. Last evaluated: 2024-12-31. Review status: criteria provided, single submitter. Criteria: ACMG Guidelines, 2015. Collection method: clinical testing. Allele origin: germline.
Comment: The NPHP3 c.428A>G variant is predicted to result in the amino acid substitution p.Glu143Gly. To our knowledge, this variant has not been reported in the literature or in a large population database (gnomAD), indicating this variant is rare. At this time, the clinical significance of this variant is uncertain due to the absence of conclusive functional and genetic evidence.

Labcorp Genetics (formerly Invitae), Labcorp
Classification: Uncertain significance for Nephronophthisis. Last evaluated: 2021-09-24. Review status: criteria provided, single submitter. Criteria: Invitae Variant Classification Sherloc (09022015). Collection method: clinical testing. Allele origin: germline.
Comment: Algorithms developed to predict the effect of missense changes on protein structure and function are either unavailable or do not agree on the potential impact of this missense change (SIFT: "Deleterious"; PolyPhen-2: "Probably Damaging"; Align-GVGD: "Class C0"). In summary, the available evidence is currently insufficient to determine the role of this variant in disease. Therefore, it has been classified as a Variant of Uncertain Significance. This sequence change replaces glutamic acid with glycine at codon 143 of the NPHP3 protein (p.Glu143Gly). The glutamic acid residue is highly conserved and there is a moderate physicochemical difference between glutamic acid and glycine. This variant is not present in population databases (ExAC no frequency). This variant has not been reported in the literature in individuals affected with NPHP3-related conditions.